The following is an entry in ClinVar:

ClinVar aggregate classification (germline): Likely benign (0 of 4 stars; one submission).

Conditions:
MYO9B-related disorder. Also called: MYO9B-related condition.

Allele frequency attached by ClinVar (database versions not stated): TOPMed 0.00001; ExAC 0.00003.
gnomAD v4.1: 9 of 1,613,760 alleles (0.00056%); highest among the groups gnomAD compares: East Asian, 0.0022%; no homozygotes.

Submission:

PreventionGenetics, part of Exact Sciences
Classification: Likely benign for MYO9B-related condition. Last evaluated: 2019-03-08. Review status: no assertion criteria provided. Collection method: clinical testing. Allele origin: germline.
Comment: This variant is classified as likely benign based on ACMG/AMP sequence variant interpretation guidelines (Richards et al. 2015 PMID: 25741868, with internal and published modifications).

NM_004145.4(MYO9B):c.4077C>T (p.Asp1359=)

Gene: MYO9B (myosin IXB; plus strand). Cytogenetic location: 19p13.11.
Variant type: single nucleotide variant.
Coding change: c.4077C>T on transcript NM_004145.4 (MANE Select); coding-DNA position 4077, C replaced by T.
Protein change: p.Asp1359=; no amino-acid change (aspartic acid 1359 retained).
Molecular consequence: synonymous variant.
Genome position (GRCh38, 1-based): chr19:17,197,822, C>T. VCF-style: chr19-17197822-C-T. GRCh37 (hg19) VCF-style: chr19-17308631-C-T.
Other names: c.4077C>T, p.Asp1359= (NM_001130065.2).
Identifiers: ClinVar variation 3046425 (VCV003046425.2), dbSNP rs746565913, ClinGen allele CA9288032.
Genomic context (GRCh38, chr19:17,197,822, plus strand): 5'-AGTAAAAGCCATGTTTCTGTGATCTCGCAGGGAGAGGCGCACCTCCTTCTCCACGAGCGA[C>T]GTCTCCAAGCTCCTCCCGTCCCTGGCCAAGGCTCAGGTAACAACAACACGGCAAAACCCC-3'
Protein context (NP_004136.2, residues 1349-1369): EERRTSFSTS[Asp1359=]VSKLLPSLAK